The following is an entry in ClinVar:

ClinVar aggregate classification (germline): Uncertain significance (1 of 4 stars; one submission).

Allele frequency attached by ClinVar (database versions not stated): gnomAD exomes below 0.00001.
gnomAD v4.1: 1 of 1,614,162 alleles (0.000062%); highest among the groups gnomAD compares: Non-Finnish European, 0.000085%; no homozygotes.

Submission:

Labcorp Genetics (formerly Invitae), Labcorp
Classification: Uncertain significance. Last evaluated: 2021-10-08. Review status: criteria provided, single submitter. Criteria: Invitae Variant Classification Sherloc (09022015). Collection method: clinical testing. Allele origin: germline.
Comment: In summary, the available evidence is currently insufficient to determine the role of this variant in disease. Therefore, it has been classified as a Variant of Uncertain Significance. Algorithms developed to predict the effect of missense changes on protein structure and function are either unavailable or do not agree on the potential impact of this missense change (SIFT: "Deleterious"; PolyPhen-2: "Probably Damaging"; Align-GVGD: "Class C0"). This variant has not been reported in the literature in individuals affected with LZTFL1-related conditions. This variant is not present in population databases (ExAC no frequency). This sequence change replaces valine with methionine at codon 81 of the LZTFL1 protein (p.Val81Met). The valine residue is highly conserved and there is a small physicochemical difference between valine and methionine.

NM_020347.4(LZTFL1):c.241G>A (p.Val81Met)

Gene: LZTFL1 (leucine zipper transcription factor like 1; minus strand). Cytogenetic location: 3p21.31.
Variant type: single nucleotide variant.
Coding change: c.241G>A on transcript NM_020347.4 (MANE Select); coding-DNA position 241, G replaced by A.
Protein change: p.Val81Met; replaces valine 81 with methionine.
Molecular consequence: missense variant. On other transcripts: non-coding transcript variant (1).
Genome position (GRCh38, 1-based): chr3:45,835,672, C>T on the plus strand (G>A on the coding strand, the complement: LZTFL1 is on the minus strand). VCF-style: chr3-45835672-C-T. GRCh37 (hg19) VCF-style: chr3-45877164-C-T.
Other names: c.190G>A, p.Val64Met (NM_001276378.2, NM_001386451.1); c.229G>A, p.Val77Met (NM_001276379.2); c.241G>A, p.Val81Met (NM_001386452.1); short protein forms V81M, V77M, V64M.
Identifiers: ClinVar variation 1495175 (VCV001495175.6), dbSNP rs1700946843, ClinGen allele CA352453808.